The following is an entry in ClinVar:

NM_001365276.2(TNXB):c.7523G>A (p.Ser2508Asn)

Gene: TNXB (tenascin XB; minus strand). Cytogenetic location: 6p21.33.
Variant type: single nucleotide variant.
Coding change: c.7523G>A on transcript NM_001365276.2 (MANE Select); coding-DNA position 7523, G replaced by A.
Protein change: p.Ser2508Asn; replaces serine 2508 with asparagine.
Molecular consequence: missense variant.
Genome position (GRCh38, 1-based): chr6:32,058,360, C>T on the plus strand (G>A on the coding strand, the complement: TNXB is on the minus strand). VCF-style: chr6-32058360-C-T. GRCh37 (hg19) VCF-style: chr6-32026137-C-T.
Other names: c.8264G>A, p.Ser2755Asn (NM_001428335.1); c.7523G>A, p.Ser2508Asn (NM_019105.8); short protein forms S2508N, S2755N.
Identifiers: ClinVar variation 3971984 (VCV003971984.1).

ClinVar aggregate classification (germline): Uncertain significance (1 of 4 stars; one submission).

Conditions:
Cardiovascular phenotype. Identifiers: MedGen CN230736.

Submission:

Ambry Genetics
Classification: Uncertain significance for Cardiovascular phenotype. Last evaluated: 2025-03-25. Review status: criteria provided, single submitter. Criteria: Ambry Variant Classification Scheme 2023. Collection method: clinical testing. Allele origin: germline.
Comment: The p.S2508N variant (also known as c.7523G>A), located in coding exon 21 of the TNXB gene, results from a G to A substitution at nucleotide position 7523. The serine at codon 2508 is replaced by asparagine, an amino acid with highly similar properties. This amino acid position is conserved. In addition, this alteration is predicted to be tolerated by in silico analysis. Based on the available evidence, the clinical significance of this variant remains unclear.